The following is an entry in ClinVar:

NM_001204.7(BMPR2):c.1376G>C (p.Arg459Thr)

Gene: BMPR2 (bone morphogenetic protein receptor type 2; plus strand). Cytogenetic location: 2q33.2.
Variant type: single nucleotide variant.
Coding change: c.1376G>C on transcript NM_001204.7 (MANE Select); coding-DNA position 1376, G replaced by C.
Protein change: p.Arg459Thr; replaces arginine 459 with threonine.
Molecular consequence: missense variant.
Genome position (GRCh38, 1-based): chr2:202,542,410, G>C. VCF-style: chr2-202542410-G-C. GRCh37 (hg19) VCF-style: chr2-203407133-G-C.
Other names: short protein forms R459T.
Identifiers: ClinVar variation 3824831 (VCV003824831.1).

ClinVar aggregate classification (germline): Uncertain significance (1 of 4 stars; one submission).

Conditions:
Inborn genetic diseases. Identifiers: MedGen C0950123, MeSH D030342.

gnomAD v4.1: 2 of 1,614,028 alleles (0.00012%); highest among the groups gnomAD compares: Non-Finnish European, 0.00017%; no homozygotes.

Submission:

Ambry Genetics
Classification: Uncertain significance for Inborn genetic diseases. Last evaluated: 2025-01-10. Review status: criteria provided, single submitter. Criteria: Ambry Variant Classification Scheme 2023. Collection method: clinical testing. Allele origin: germline.
Comment: The p.R459T variant (also known as c.1376G>C), located in coding exon 10 of the BMPR2 gene, results from a G to C substitution at nucleotide position 1376. The arginine at codon 459 is replaced by threonine, an amino acid with similar properties. This amino acid position is conserved. In addition, this alteration is predicted to be deleterious by in silico analysis. Based on the available evidence, the clinical significance of this variant remains unclear.